The following is an entry in ClinVar:

ClinVar aggregate classification (germline): Likely benign (1 of 4 stars; one submission).

Conditions:
PLEC-related disorder. Also called: PLEC-related condition; PLEC-related disorders.

gnomAD v4.1: 66 of 1,594,150 alleles (0.0041%); highest among the groups gnomAD compares: East Asian, 0.13%; no homozygotes.

Submission:

PreventionGenetics, part of Exact Sciences
Classification: Likely benign for PLEC-related condition. Last evaluated: 2026-01-30. Review status: criteria provided, single submitter. Criteria: ACMG Guidelines, 2015. Collection method: clinical testing. Allele origin: germline.
Comment: This variant is classified as likely benign based on ACMG/AMP sequence variant interpretation guidelines (Richards et al. 2015 PMID: 25741868, with internal and published modifications).

NM_201378.4(PLEC):c.71-11948G>A

Gene: PLEC (plectin; minus strand). Cytogenetic location: 8q24.3.
Variant type: single nucleotide variant.
Coding change: c.71-11948G>A on transcript NM_201378.4 (MANE Plus Clinical); 11948 bases into the intron before coding-DNA position 71, G replaced by A.
Molecular consequence: intron variant. On other transcripts: missense variant (1).
Genome position (GRCh38, 1-based): chr8:143,950,640, C>T on the plus strand (G>A on the coding strand, the complement: PLEC is on the minus strand). VCF-style: chr8-143950640-C-T. GRCh37 (hg19) VCF-style: chr8-145024808-C-T.
Other names: c.67G>A, p.Gly23Ser (NM_201380.4); c.194-11948G>A (NM_001410941.1, NM_000445.5); c.46+3086G>A (NM_201379.3); short protein forms G23S.
Identifiers: ClinVar variation 4979676 (VCV004979676.1).